The following is an entry in ClinVar:

NM_000271.5(NPC1):c.2594C>T (p.Ser865Leu)

Gene: NPC1 (NPC intracellular cholesterol transporter 1; minus strand). Cytogenetic location: 18q11.2.
Variant type: single nucleotide variant.
Coding change: c.2594C>T on transcript NM_000271.5 (MANE Select); coding-DNA position 2594, C replaced by T.
Protein change: p.Ser865Leu; replaces serine 865 with leucine.
Molecular consequence: missense variant.
Genome position (GRCh38, 1-based): chr18:23,540,458, G>A on the plus strand (C>T on the coding strand, the complement: NPC1 is on the minus strand). VCF-style: chr18-23540458-G-A. GRCh37 (hg19) VCF-style: chr18-21120422-G-A.
Other names: c.2594C>T (NM_000271.4); short protein forms S865L.
Identifiers: ClinVar variation 803478 (VCV000803478.9), dbSNP rs1160114136, ClinGen allele CA401793087.

ClinVar aggregate classification (germline): Pathogenic/Likely pathogenic. Review status: criteria provided, multiple submitters, no conflicts (2 of 4 stars). 5 submissions from 5 submitters: Pathogenic (3); Likely pathogenic (2). Last evaluated 2025-10-24.

Conditions:
Niemann-Pick disease, type C1. Also called: NEUROVISCERAL STORAGE DISEASE WITH VERTICAL SUPRANUCLEAR OPHTHALMOPLEGIA; NIEMANN-PICK DISEASE WITH CHOLESTEROL ESTERIFICATION BLOCK; NIEMANN-PICK DISEASE WITHOUT SPHINGOMYELINASE DEFICIENCY; NIEMANN-PICK DISEASE, CHRONIC NEURONOPATHIC FORM; NIEMANN-PICK DISEASE, VARIANT TYPE C1. Identifiers: Orphanet 646, MedGen C3179455, MONDO:0009757, OMIM 257220.

Allele frequency attached by ClinVar (database versions not stated): gnomAD exomes below 0.00001 and 0.00001.
gnomAD v4.1: 11 of 1,594,316 alleles (0.00069%); highest among the groups gnomAD compares: East Asian, 0.0022%; no homozygotes.

Submissions (5):

Myriad Genetics, Inc.
Classification: Likely pathogenic for Niemann-Pick disease, type C1. Last evaluated: 2025-10-24. Review status: criteria provided, single submitter. Criteria: Myriad Autosomal Dominant, Autosomal Recessive and X-Linked Classification Criteria (2023). Collection method: clinical testing. Allele origin: unknown.
Comment: NM_000271.4(NPC1):c.2594C>T(S865L) is a missense variant classified as likely pathogenic in the context of Niemann-Pick disease type C1. S865L has been observed in cases with relevant disease (PMID: 16098014, 16126423, 22326530, 31639011, 38131230, McKay-Bounford_2016_(Thesis)). Relevant functional assessments of this variant are not available in the literature. S865L has been observed in referenced population frequency databases. In summary, NM_000271.4(NPC1):c.2594C>T(S865L) is a missense variant that has been observed more frequently in cases with the relevant disease than in healthy populations. Please note: this variant was assessed in the context of healthy population screening.

Natera, Inc.
Classification: Pathogenic for Niemann-Pick disease type C1. Last evaluated: 2025-07-16. Review status: criteria provided, single submitter. Criteria: Natera Variant Classification Schema (03/2026). Collection method: clinical testing. Allele origin: germline.
Comment: The c.2594C>T variant in NPC1 is a missense variant predicted to cause substitution of serine to leucine at amino acid 865. This variant is rare in the general population with a frequency below the threshold expected for the associated phenotype(s). This variant has been observed in one or more individuals affected with the associated recessive disease, as either homozygous or compound heterozygous with a second variant (PMID: 16098014, 16126423, 22326530, 31639011, 38131230). Additionally, this variant has been observed to segregate in affected family members (PMID: 22326530). Computational prediction algorithms indicate this variant is likely to affect gene or protein function. Given the available evidence, this variant is classified as Pathogenic.

Labcorp Genetics (formerly Invitae), Labcorp
Classification: Pathogenic for Niemann-Pick disease, type C1. Last evaluated: 2023-07-07. Review status: criteria provided, single submitter. Criteria: Invitae Variant Classification Sherloc (09022015). Collection method: clinical testing. Allele origin: germline.
Comment: This sequence change replaces serine, which is neutral and polar, with leucine, which is neutral and non-polar, at codon 865 of the NPC1 protein (p.Ser865Leu). The frequency data for this variant in the population databases is considered unreliable, as metrics indicate poor data quality at this position in the gnomAD database. This missense change has been observed in individual(s) with Niemann-Pick type C (PMID: 16098014, 16126423, 31639011). ClinVar contains an entry for this variant (Variation ID: 803478). Advanced modeling of protein sequence and biophysical properties (such as structural, functional, and spatial information, amino acid conservation, physicochemical variation, residue mobility, and thermodynamic stability) performed at Invitae indicates that this missense variant is expected to disrupt NPC1 protein function. For these reasons, this variant has been classified as Pathogenic.

Mendelics
Classification: Pathogenic for Niemann-Pick disease, type C1. Last evaluated: 2019-05-28. Review status: criteria provided, single submitter. Criteria: Mendelics Assertion Criteria 2017. Collection method: clinical testing. Allele origin: unknown.

Juno Genomics, Hangzhou Juno Genomics, Inc
Classification: Likely pathogenic for Niemann-Pick disease, type C1. Review status: criteria provided, single submitter. Criteria: ACMG Guidelines, 2015. Collection method: clinical testing. Allele origin: germline.
Comment: Absent from controls (or at extremely low frequency if recessive) in Genome Aggregation Database.;Multiple lines of computational evidence support a deleterious effect on the gene or gene product.;For recessive disorders, detected in trans with a pathogenic variant.

Literature cited by the submitters: PubMed 16098014 (cited by Natera, Inc. and Labcorp Genetics (formerly Invitae), Labcorp); PubMed 16126423 (cited by Natera, Inc. and Labcorp Genetics (formerly Invitae), Labcorp); PubMed 22326530 (cited by Natera, Inc.); PubMed 31639011 (cited by Natera, Inc. and Labcorp Genetics (formerly Invitae), Labcorp); PubMed 38131230 (cited by Natera, Inc.).